The following is an entry in ClinVar:

NM_001563.4(IMPG1):c.667-84_706del

Gene: IMPG1 (interphotoreceptor matrix proteoglycan 1; minus strand). Cytogenetic location: 6q14.1.
Variant type: Deletion.
Coding change: c.667-84_706del on transcript NM_001563.4 (MANE Select); 84 bases into the intron before coding-DNA position 667 through coding-DNA position 706, 124 bases deleted.
Molecular consequence: splice acceptor variant.
Genome position (GRCh38, 1-based): chr6:76,018,819-76,018,942, 124 bases deleted. GRCh37 (hg19): chr6:76,728,537-76,728,660.
Other names: c.433-84_472del (NM_001282368.2).
Identifiers: ClinVar variation 1398728 (VCV001398728.6), dbSNP rs2149482408, ClinGen allele CA2573141243.

ClinVar aggregate classification (germline): Likely pathogenic (1 of 4 stars; one submission).

Submission:

Labcorp Genetics (formerly Invitae), Labcorp
Classification: Likely pathogenic. Last evaluated: 2025-11-17. Review status: criteria provided, single submitter. Criteria: Invitae Variant Classification Sherloc (09022015). Collection method: clinical testing. Allele origin: germline.
Comment: This variant results in the deletion of part of exon 7 (c.667-84_706del) of the IMPG1 gene. It is expected to disrupt RNA splicing. Variants that disrupt the donor or acceptor splice site typically lead to a loss of protein function (PMID: 16199547), and loss-of-function variants in IMPG1 are known to be pathogenic (PMID: 23993198). This variant is not present in population databases (gnomAD no frequency). This variant has not been reported in the literature in individuals affected with IMPG1-related conditions. ClinVar contains an entry for this variant (Variation ID: 1398728). Algorithms developed to predict the effect of sequence changes on RNA splicing suggest that this variant may disrupt the consensus splice site. In summary, the currently available evidence indicates that the variant is pathogenic, but additional data are needed to prove that conclusively. Therefore, this variant has been classified as Likely Pathogenic.

Literature cited by the submitters: PubMed 16199547; PubMed 23993198.